The following is an entry in ClinVar:

ClinVar aggregate classification (germline): Uncertain significance. Review status: criteria provided, multiple submitters, no conflicts (2 of 4 stars). 3 submissions from 3 submitters: Uncertain significance (3). Last evaluated 2024-07-03.

Conditions:
Cardiovascular phenotype. Identifiers: MedGen CN230736.
Sitosterolemia 1. Identifiers: MedGen C2749759, MONDO:0020747, OMIM 210250.

Allele frequency attached by ClinVar (database versions not stated): gnomAD 0.00001; gnomAD exomes 0.00001.
gnomAD v4.1: 4 of 1,614,078 alleles (0.00025%); highest among the groups gnomAD compares: Admixed American, 0.0067%; no homozygotes.

Submissions (3):

Revvity Omics, Revvity
Classification: Uncertain significance for Sitosterolemia 1. Last evaluated: 2024-07-03. Review status: criteria provided, single submitter. Criteria: ACMG Guidelines, 2015. Collection method: clinical testing. Allele origin: germline.

Ambry Genetics
Classification: Uncertain significance for Cardiovascular phenotype. Last evaluated: 2024-04-13. Review status: criteria provided, single submitter. Criteria: Ambry Variant Classification Scheme 2023. Collection method: clinical testing. Allele origin: germline.
Comment: The p.N34D variant (also known as c.100A>G), located in coding exon 2 of the ABCG8 gene, results from an A to G substitution at nucleotide position 100. The asparagine at codon 34 is replaced by aspartic acid, an amino acid with highly similar properties. This amino acid position is conserved. In addition, this alteration is predicted to be tolerated by in silico analysis. Based on the available evidence, the clinical significance of this variant remains unclear.

Labcorp Genetics (formerly Invitae), Labcorp
Classification: Uncertain significance. Last evaluated: 2022-05-30. Review status: criteria provided, single submitter. Criteria: Invitae Variant Classification Sherloc (09022015). Collection method: clinical testing. Allele origin: germline.
Comment: Algorithms developed to predict the effect of missense changes on protein structure and function are either unavailable or do not agree on the potential impact of this missense change (SIFT: "Tolerated"; PolyPhen-2: "Possibly Damaging"; Align-GVGD: "Class C0"). In summary, the available evidence is currently insufficient to determine the role of this variant in disease. Therefore, it has been classified as a Variant of Uncertain Significance. This variant has not been reported in the literature in individuals affected with ABCG8-related conditions. This variant is present in population databases (no rsID available, gnomAD 0.003%). This sequence change replaces asparagine, which is neutral and polar, with aspartic acid, which is acidic and polar, at codon 34 of the ABCG8 protein (p.Asn34Asp).

NM_022437.3(ABCG8):c.100A>G (p.Asn34Asp)

Gene: ABCG8 (ATP binding cassette subfamily G member 8; plus strand). Cytogenetic location: 2p21.
Variant type: single nucleotide variant.
Coding change: c.100A>G on transcript NM_022437.3 (MANE Select); coding-DNA position 100, A replaced by G.
Protein change: p.Asn34Asp; replaces asparagine 34 with aspartic acid.
Molecular consequence: missense variant.
Genome position (GRCh38, 1-based): chr2:43,844,543, A>G. VCF-style: chr2-43844543-A-G. GRCh37 (hg19) VCF-style: chr2-44071682-A-G.
Other names: c.100A>G, p.Asn34Asp (NM_001357321.2); c.100A>G (NM_022437.2); short protein forms N34D.
Identifiers: ClinVar variation 2152520 (VCV002152520.5), dbSNP rs897087769, ClinGen allele CA346663141.